The following is an entry in ClinVar:

NM_007118.4(TRIO):c.541-9T>C

Gene: TRIO (trio Rho guanine nucleotide exchange factor; plus strand). Cytogenetic location: 5p15.2.
Variant type: single nucleotide variant.
Coding change: c.541-9T>C on transcript NM_007118.4 (MANE Select); 9 bases into the intron before coding-DNA position 541, T replaced by C.
Molecular consequence: intron variant.
Genome position (GRCh38, 1-based): chr5:14,290,707, T>C. VCF-style: chr5-14290707-T-C. GRCh37 (hg19) VCF-style: chr5-14290816-T-C.
Identifiers: ClinVar variation 3907470 (VCV003907470.1).

ClinVar aggregate classification (germline): Likely benign (1 of 4 stars; one submission).

gnomAD v4.1: 7 of 1,575,144 alleles (0.00044%); highest among the groups gnomAD compares: African/African-American, 0.0014%; no homozygotes.

Submission:

Women's Health and Genetics/Laboratory Corporation of America, LabCorp
Classification: Likely benign. Last evaluated: 2025-06-02. Review status: criteria provided, single submitter. Criteria: LabCorp Variant Classification Summary - May 2015. Collection method: clinical testing. Allele origin: germline.
Comment: Variant summary: TRIO c.541-9T>C alters a nucleotide located at a position not widely known to affect splicing. Consensus agreement among computation tools predict no significant impact on normal splicing. However, these predictions have yet to be confirmed by functional studies. The frequency data for this variant in gnomAD is considered unreliable, as metrics indicate poor data quality at this position. To our knowledge, no occurrence of c.541-9T>C in individuals affected with TRIO-Related Intellectual Disability and no experimental evidence demonstrating its impact on protein function have been reported. No submitters have cited clinical-significance assessments for this variant to ClinVar. Based on the evidence outlined above, the variant was classified as likely benign.